The following is an entry in ClinVar:

NM_001130987.2(DYSF):c.5236C>G (p.Gln1746Glu)

Gene: DYSF (dysferlin; plus strand). Cytogenetic location: 2p13.2.
Variant type: single nucleotide variant.
Coding change: c.5236C>G on transcript NM_001130987.2 (MANE Select); coding-DNA position 5236, C replaced by G.
Protein change: p.Gln1746Glu; replaces glutamine 1746 with glutamic acid.
Molecular consequence: missense variant.
Genome position (GRCh38, 1-based): chr2:71,665,223, C>G. VCF-style: chr2-71665223-C-G. GRCh37 (hg19) VCF-style: chr2-71892353-C-G.
Other names: c.5122C>G, p.Gln1708Glu (NM_001130455.2); c.5077C>G, p.Gln1693Glu (NM_001130976.2); c.5140C>G, p.Gln1714Glu (NM_001130977.2); c.5182C>G, p.Gln1728Glu (NM_001130978.2); c.5212C>G, p.Gln1738Glu (NM_001130979.2); c.5170C>G, p.Gln1724Glu (NM_001130980.2); c.5233C>G, p.Gln1745Glu (NM_001130981.2); c.5215C>G, p.Gln1739Glu (NM_001130982.2); and 5 more; short protein forms Q1693E, Q1694E, Q1707E, Q1708E, Q1714E, Q1715E, Q1724E, Q1725E.
Identifiers: ClinVar variation 989559 (VCV000989559.4), dbSNP rs199827126, ClinGen allele CA1707298.
Genomic context (GRCh38, chr2:71,665,223, plus strand): 5'-TCTGGACCGAACCAGTGGCGGGACCAGCTCCGCCCCTCCCAGCTCCTCCACCTCTTCTGC[C>G]AGCAGCATAGAGTCAAGGCACCTGTGTACCGGACAGACCGTGTAATGTTTCAGGATAAAG-3'
Protein context (NP_001124459.1, residues 1736-1756): RPSQLLHLFC[Gln1746Glu]QHRVKAPVYR

ClinVar aggregate classification (germline): Uncertain significance. Review status: criteria provided, multiple submitters, no conflicts (2 of 4 stars). 3 submissions from 3 submitters: Uncertain significance (2). 1 of the submissions does not count toward it. Last evaluated 2022-02-19.

Conditions:
Autosomal recessive limb-girdle muscular dystrophy type 2B (LGMDR2). Also called: Limb-girdle muscular dystrophy, type 2B; MUSCULAR DYSTROPHY, LIMB-GIRDLE, TYPE 3; MUSCULAR DYSTROPHY, LIMB-GIRDLE, AUTOSOMAL RECESSIVE 2; Limb-Girdle Muscular Dystrophy Type 2B (LGMD2B). Identifiers: Orphanet 268, MedGen C1850889, MONDO:0009676, OMIM 253601.
Distal myopathy with anterior tibial onset. Identifiers: Orphanet 178400, MedGen C1847532, MONDO:0011721, OMIM 606768.
Miyoshi muscular dystrophy 1 (MMD1). Identifiers: Orphanet 45448, MedGen C4551973, MONDO:0024545, OMIM 254130.
Neuromuscular disease caused by qualitative or quantitative defects of dysferlin. Also called: Dysferlinopathy; Qualitative or quantitative defects of dysferlin. Identifiers: Orphanet 207073, MedGen C2931687, MONDO:0016145.

Allele frequency attached by ClinVar (database versions not stated): TOPMed below 0.00001; gnomAD 0.00001 and 0.00002; ExAC 0.00005; gnomAD exomes 0.00005; 1000 Genomes Project 30x 0.00016; 1000 Genomes Project 0.00020.
gnomAD v4.1: 29 of 1,614,114 alleles (0.0018%); highest among the groups gnomAD compares: Non-Finnish European, 0.002%; no homozygotes.

Submissions (3):

Labcorp Genetics (formerly Invitae), Labcorp
Classification: Uncertain significance for Neuromuscular disease caused by qualitative or quantitative defects of dysferlin. Last evaluated: 2022-02-19. Review status: criteria provided, single submitter. Criteria: Invitae Variant Classification Sherloc (09022015). Collection method: clinical testing. Allele origin: germline.
Comment: This sequence change replaces glutamine, which is neutral and polar, with glutamic acid, which is acidic and polar, at codon 1707 of the DYSF protein (p.Gln1707Glu). This variant is present in population databases (rs199827126, gnomAD 0.007%). This variant has not been reported in the literature in individuals affected with DYSF-related conditions. ClinVar contains an entry for this variant (Variation ID: 989559). Advanced modeling of protein sequence and biophysical properties (such as structural, functional, and spatial information, amino acid conservation, physicochemical variation, residue mobility, and thermodynamic stability) performed at Invitae indicates that this missense variant is not expected to disrupt DYSF protein function. In summary, the available evidence is currently insufficient to determine the role of this variant in disease. Therefore, it has been classified as a Variant of Uncertain Significance.

Fulgent Genetics
Classification: Uncertain significance for Autosomal recessive limb-girdle muscular dystrophy type 2B; Miyoshi muscular dystrophy 1; Distal myopathy with anterior tibial onset. Last evaluated: 2021-09-30. Review status: criteria provided, single submitter. Criteria: ACMG Guidelines, 2015. Collection method: clinical testing. Allele origin: unknown.

Natera, Inc.
Classification: Uncertain significance for Limb-girdle muscular dystrophy type 2B. Last evaluated: 2020-08-14. Review status: no assertion criteria provided. Collection method: clinical testing. Allele origin: germline. Not counted in ClinVar's aggregate classification.